The following is an entry in ClinVar:

ClinVar aggregate classification (germline): Uncertain significance. Review status: criteria provided, multiple submitters, no conflicts (2 of 4 stars). 2 submissions from 2 submitters: Uncertain significance (2). Last evaluated 2025-04-09.

Conditions:
Cardiovascular phenotype. Identifiers: MedGen CN230736.

Allele frequency attached by ClinVar (database versions not stated): gnomAD exomes below 0.00001.
gnomAD v4.1: 1 of 1,613,888 alleles (0.000062%); highest among the groups gnomAD compares: Non-Finnish European, 0.000085%; no homozygotes.

Submissions (2):

Molecular Diagnostic Laboratory for Inherited Cardiovascular Disease, Montreal Heart Institute
Classification: Uncertain significance for Cardiovascular phenotype. Last evaluated: 2025-04-09. Review status: criteria provided, single submitter. Criteria: ACMG Guidelines, 2015. Collection method: clinical testing. Allele origin: germline. Affected: yes.

GeneDx
Classification: Uncertain significance. Last evaluated: 2019-10-09. Review status: criteria provided, single submitter. Criteria: GeneDx Variant Classification Process June 2021. Collection method: clinical testing. Allele origin: germline. Affected: yes.
Comment: Has not been previously published as pathogenic or benign to our knowledge; Not observed in large population cohorts (Lek et al., 2016); In silico analysis, which includes protein predictors and evolutionary conservation, supports that this variant does not alter protein structure/function

NM_002230.4(JUP):c.2053A>G (p.Ser685Gly)

Gene: JUP (junction plakoglobin; minus strand). Cytogenetic location: 17q21.2.
Variant type: single nucleotide variant.
Coding change: c.2053A>G on transcript NM_002230.4 (MANE Select); coding-DNA position 2053, A replaced by G.
Protein change: p.Ser685Gly; replaces serine 685 with glycine.
Molecular consequence: missense variant.
Genome position (GRCh38, 1-based): chr17:41,756,208, T>C on the plus strand (A>G on the coding strand, the complement: JUP is on the minus strand). VCF-style: chr17-41756208-T-C. GRCh37 (hg19) VCF-style: chr17-39912460-T-C.
Other names: c.2053A>G, p.Ser685Gly (NM_001352773.2, NM_001352774.2, NM_001352775.2 and 3 more transcripts); c.2053A>G (NM_002230.3); short protein forms S685G.
Identifiers: ClinVar variation 1309205 (VCV001309205.3), dbSNP rs2143385240, ClinGen allele CA399490995.